The following is an entry in ClinVar:

ClinVar aggregate classification (germline): Uncertain significance (1 of 4 stars; one submission).

Allele frequency attached by ClinVar (database versions not stated): gnomAD exomes below 0.00001.
gnomAD v4.1: 1 of 1,614,128 alleles (0.000062%); highest among the groups gnomAD compares: Non-Finnish European, 0.000085%; no homozygotes.

Submission:

Labcorp Genetics (formerly Invitae), Labcorp
Classification: Uncertain significance. Last evaluated: 2023-06-23. Review status: criteria provided, single submitter. Criteria: Invitae Variant Classification Sherloc (09022015). Collection method: clinical testing. Allele origin: germline.
Comment: This variant has not been reported in the literature in individuals affected with LZTR1-related conditions. This variant is not present in population databases (gnomAD no frequency). This sequence change replaces aspartic acid, which is acidic and polar, with asparagine, which is neutral and polar, at codon 185 of the LZTR1 protein (p.Asp185Asn). Advanced modeling of protein sequence and biophysical properties (such as structural, functional, and spatial information, amino acid conservation, physicochemical variation, residue mobility, and thermodynamic stability) performed at Invitae indicates that this missense variant is not expected to disrupt LZTR1 protein function. In summary, the available evidence is currently insufficient to determine the role of this variant in disease. Therefore, it has been classified as a Variant of Uncertain Significance.

NM_006767.4(LZTR1):c.553G>A (p.Asp185Asn)

Gene: LZTR1 (leucine zipper like post translational regulator 1; plus strand). Cytogenetic location: 22q11.21.
Variant type: single nucleotide variant.
Coding change: c.553G>A on transcript NM_006767.4 (MANE Select); coding-DNA position 553, G replaced by A.
Protein change: p.Asp185Asn; replaces aspartic acid 185 with asparagine.
Molecular consequence: missense variant.
Genome position (GRCh38, 1-based): chr22:20,988,832, G>A. VCF-style: chr22-20988832-G-A. GRCh37 (hg19) VCF-style: chr22-21343121-G-A.
Other names: short protein forms D185N.
Identifiers: ClinVar variation 2720323 (VCV002720323.3), dbSNP rs2147962707, ClinGen allele CA410780161.
Genomic context (GRCh38, chr22:20,988,832, plus strand): 5'-CTTCCCTCACACTCCAGGTTGCCAGTCGCTAGGTCAGCCCATGGGGCCACGGTGTACAGT[G>A]ACAAGCTGTGGATCTTTGCTGGCTATGACGGCAACGCCAGGTGGGTGGTGGTCCGGCCTG-3'
Protein context (NP_006758.2, residues 175-195): RSAHGATVYS[Asp185Asn]KLWIFAGYDG